The following is an entry in ClinVar:

ClinVar aggregate classification (germline): Uncertain significance (1 of 4 stars; one submission).

Conditions:
Ataxia-telangiectasia syndrome (AT). Also called: Ataxia-telangiectasia; LOUIS-BAR SYNDROME; AT, COMPLEMENTATION GROUP C; Ataxia-telangiectasia, complementation group E; Ataxia telangiectasia (A-T); Cerebello-oculocutaneous telangiectasia. Identifiers: Orphanet 100, MedGen C0004135, MONDO:0008840, OMIM 208900.

Submission:

Labcorp Genetics (formerly Invitae), Labcorp
Classification: Uncertain significance for Ataxia-telangiectasia syndrome. Last evaluated: 2021-10-23. Review status: criteria provided, single submitter. Criteria: Invitae Variant Classification Sherloc (09022015). Collection method: clinical testing. Allele origin: germline.
Comment: This sequence change replaces glycine with arginine at codon 1458 of the ATM protein (p.Gly1458Arg). The glycine residue is highly conserved and there is a moderate physicochemical difference between glycine and arginine. This variant is not present in population databases (ExAC no frequency). This variant has not been reported in the literature in individuals affected with ATM-related conditions. Advanced modeling of protein sequence and biophysical properties (such as structural, functional, and spatial information, amino acid conservation, physicochemical variation, residue mobility, and thermodynamic stability) performed at Invitae indicates that this missense variant is not expected to disrupt ATM protein function. In summary, the available evidence is currently insufficient to determine the role of this variant in disease. Therefore, it has been classified as a Variant of Uncertain Significance.

NM_000051.4(ATM):c.4372G>A (p.Gly1458Arg)

Gene: ATM (ATM serine/threonine kinase; plus strand). Cytogenetic location: 11q22.3.
Variant type: single nucleotide variant.
Coding change: c.4372G>A on transcript NM_000051.4 (MANE Select); coding-DNA position 4372, G replaced by A.
Protein change: p.Gly1458Arg; replaces glycine 1458 with arginine.
Molecular consequence: missense variant.
Genome position (GRCh38, 1-based): chr11:108,289,737, G>A. VCF-style: chr11-108289737-G-A. GRCh37 (hg19) VCF-style: chr11-108160464-G-A.
Other names: c.4372G>A, p.Gly1458Arg (NM_001351834.2); short protein forms G1458R.
Identifiers: ClinVar variation 1449085 (VCV001449085.6), dbSNP rs2135764207, ClinGen allele CA382532094.